The following is an entry in ClinVar:

ClinVar aggregate classification (germline): Uncertain significance (1 of 4 stars; one submission).

Submission:

Labcorp Genetics (formerly Invitae), Labcorp
Classification: Uncertain significance. Last evaluated: 2024-06-26. Review status: criteria provided, single submitter. Criteria: Invitae Variant Classification Sherloc (09022015). Collection method: clinical testing. Allele origin: germline.
Comment: This sequence change replaces glutamic acid, which is acidic and polar, with lysine, which is basic and polar, at codon 1082 of the COL11A2 protein (p.Glu1082Lys). This variant is not present in population databases (gnomAD no frequency). This variant has not been reported in the literature in individuals affected with COL11A2-related conditions. Advanced modeling of protein sequence and biophysical properties (such as structural, functional, and spatial information, amino acid conservation, physicochemical variation, residue mobility, and thermodynamic stability) performed at Invitae indicates that this missense variant is not expected to disrupt COL11A2 protein function with a negative predictive value of 95%. In summary, the available evidence is currently insufficient to determine the role of this variant in disease. Therefore, it has been classified as a Variant of Uncertain Significance.

NM_080680.3(COL11A2):c.3244G>A (p.Glu1082Lys)

Gene: COL11A2 (collagen type XI alpha 2 chain; minus strand). Cytogenetic location: 6p21.32.
Variant type: single nucleotide variant.
Coding change: c.3244G>A on transcript NM_080680.3 (MANE Select); coding-DNA position 3244, G replaced by A.
Protein change: p.Glu1082Lys; replaces glutamic acid 1082 with lysine.
Molecular consequence: missense variant.
Genome position (GRCh38, 1-based): chr6:33,171,481, C>T on the plus strand (G>A on the coding strand, the complement: COL11A2 is on the minus strand). VCF-style: chr6-33171481-C-T. GRCh37 (hg19) VCF-style: chr6-33139258-C-T.
Other names: c.3064G>A, p.Glu1022Lys (NM_001424108.1); c.2398G>A, p.Glu800Lys (NM_001424109.1); c.2218G>A, p.Glu740Lys (NM_001424110.1, NM_001424111.1); c.1198G>A, p.Glu400Lys (NM_001424112.1); c.2923G>A, p.Glu975Lys (NM_080679.3); c.2986G>A, p.Glu996Lys (NM_080681.3); short protein forms E1082K, E975K, E996K, E1022K, E400K, E800K, E740K.
Identifiers: ClinVar variation 3635246 (VCV003635246.2).